The following is an entry in ClinVar:

ClinVar aggregate classification (germline): Uncertain significance (1 of 4 stars; one submission).

Conditions:
Multiple congenital anomalies-hypotonia-seizures syndrome 2 (MCAHS2). Also called: EPILEPTIC ENCEPHALOPATHY, EARLY INFANTILE, 20; GLYCOSYLPHOSPHATIDYLINOSITOL BIOSYNTHESIS DEFECT 4. Identifiers: Orphanet 300496, MedGen C3275508, MONDO:0010466, OMIM 300868.

Submission:

Labcorp Genetics (formerly Invitae), Labcorp
Classification: Uncertain significance for Multiple congenital anomalies-hypotonia-seizures syndrome 2. Last evaluated: 2024-06-25. Review status: criteria provided, single submitter. Criteria: Invitae Variant Classification Sherloc (09022015). Collection method: clinical testing. Allele origin: germline.
Comment: This sequence change replaces aspartic acid, which is acidic and polar, with glycine, which is neutral and non-polar, at codon 224 of the PIGA protein (p.Asp224Gly). This variant is not present in population databases (gnomAD no frequency). This variant has not been reported in the literature in individuals affected with PIGA-related conditions. Advanced modeling of protein sequence and biophysical properties (such as structural, functional, and spatial information, amino acid conservation, physicochemical variation, residue mobility, and thermodynamic stability) performed at Invitae indicates that this missense variant is not expected to disrupt PIGA protein function with a negative predictive value of 95%. In summary, the available evidence is currently insufficient to determine the role of this variant in disease. Therefore, it has been classified as a Variant of Uncertain Significance.

NM_002641.4(PIGA):c.671A>G (p.Asp224Gly)

Gene: PIGA (phosphatidylinositol glycan anchor biosynthesis class A; minus strand). Cytogenetic location: Xp22.2.
Variant type: single nucleotide variant.
Coding change: c.671A>G on transcript NM_002641.4 (MANE Select); coding-DNA position 671, A replaced by G.
Protein change: p.Asp224Gly; replaces aspartic acid 224 with glycine.
Molecular consequence: missense variant. On other transcripts: intron variant (1).
Genome position (GRCh38, 1-based): chrX:15,331,260, T>C on the plus strand (A>G on the coding strand, the complement: PIGA is on the minus strand). VCF-style: chrX-15331260-T-C. GRCh37 (hg19) VCF-style: chrX-15349382-T-C.
Other names: c.13+4241A>G (NM_020473.3); short protein forms D224G.
Identifiers: ClinVar variation 3689421 (VCV003689421.2).